The following is an entry in ClinVar:

ClinVar aggregate classification (germline): Pathogenic (1 of 4 stars; one submission).

Conditions:
Maple syrup urine disease (MSUD). Identifiers: Orphanet 511, MedGen C0024776, MeSH D008375, MONDO:0009563. Disease mechanism: loss of function.

Submission:

Labcorp Genetics (formerly Invitae), Labcorp
Classification: Pathogenic for Maple syrup urine disease. Last evaluated: 2024-11-24. Review status: criteria provided, single submitter. Criteria: Invitae Variant Classification Sherloc (09022015). Collection method: clinical testing. Allele origin: germline.
Comment: This sequence change creates a premature translational stop signal (p.Ala161Glufs*4) in the BCKDHA gene. It is expected to result in an absent or disrupted protein product. Loss-of-function variants in BCKDHA are known to be pathogenic (PMID: 16786533, 22593002). This variant is not present in population databases (gnomAD no frequency). This variant has not been reported in the literature in individuals affected with BCKDHA-related conditions. For these reasons, this variant has been classified as Pathogenic.

Literature cited by the submitters: PubMed 16786533; PubMed 22593002.

NM_000709.4(BCKDHA):c.482del (p.Ala161fs)

Gene: BCKDHA (branched chain keto acid dehydrogenase E1 subunit alpha; plus strand). Cytogenetic location: 19q13.2.
Variant type: Deletion.
Coding change: c.482del on transcript NM_000709.4 (MANE Select); coding-DNA position 482, one base deleted (C; older notation c.482delC).
Protein change: p.Ala161fs; shifts the reading frame from alanine 161.
Molecular consequence: frameshift variant.
Genome position (GRCh38, 1-based): chr19:41,414,155, C deleted. VCF-style (leftmost placement, unchanged base first): chr19-41414154-GC-G. GRCh37 (hg19) VCF-style: chr19-41920059-GC-G.
Other names: c.482del, p.Ala161fs (NM_001164783.2); short protein forms A161fs.
Identifiers: ClinVar variation 3670556 (VCV003670556.2).